The following is an entry in ClinVar:

ClinVar aggregate classification (germline): Uncertain significance (1 of 4 stars; one submission).

Conditions:
Acute myeloid leukemia (AML). Also called: Acute myeloid leukemia, adult; AML adult; Acute non-lymphocytic leukemia; Acute granulocytic leukemia; Leukemia, acute myeloid, somatic; Leukemia, acute myelogenous, somatic. Identifiers: Orphanet 519, MedGen C0023467, MeSH D015470, MONDO:0018874, OMIM 601626, HP:0004808. Disease mechanism: Constitutively activated FLT3.

Submission:

Labcorp Genetics (formerly Invitae), Labcorp
Classification: Uncertain significance for Acute myeloid leukemia. Last evaluated: 2023-10-04. Review status: criteria provided, single submitter. Criteria: Invitae Variant Classification Sherloc (09022015). Collection method: clinical testing. Allele origin: germline.
Comment: This sequence change replaces leucine, which is neutral and non-polar, with arginine, which is basic and polar, at codon 19 of the CEBPA protein (p.Leu19Arg). This variant is not present in population databases (gnomAD no frequency). This variant has not been reported in the literature in individuals affected with CEBPA-related conditions. Advanced modeling of protein sequence and biophysical properties (such as structural, functional, and spatial information, amino acid conservation, physicochemical variation, residue mobility, and thermodynamic stability) performed at Invitae indicates that this missense variant is not expected to disrupt CEBPA protein function. In summary, the available evidence is currently insufficient to determine the role of this variant in disease. Therefore, it has been classified as a Variant of Uncertain Significance.

NM_004364.5(CEBPA):c.56T>G (p.Leu19Arg)

Gene: CEBPA (CCAAT enhancer binding protein alpha; minus strand). Cytogenetic location: 19q13.11.
Variant type: single nucleotide variant.
Coding change: c.56T>G on transcript NM_004364.5 (MANE Select); coding-DNA position 56, T replaced by G.
Protein change: p.Leu19Arg; replaces leucine 19 with arginine.
Molecular consequence: missense variant. On other transcripts: 5 prime UTR variant (1).
Genome position (GRCh38, 1-based): chr19:33,302,359, A>C on the plus strand (T>G on the coding strand, the complement: CEBPA is on the minus strand). VCF-style: chr19-33302359-A-C. GRCh37 (hg19) VCF-style: chr19-33793265-A-C.
Other names: c.-302T>G (NM_001285829.2); c.161T>G, p.Leu54Arg (NM_001287424.2); c.14T>G, p.Leu5Arg (NM_001287435.2); short protein forms L5R, L19R, L54R.
Identifiers: ClinVar variation 2724440 (VCV002724440.3), dbSNP rs1315626965, ClinGen allele CA405275766.